The following is an entry in ClinVar:

NM_006642.5(SDCCAG8):c.858T>C (p.Cys286=)

Gene: SDCCAG8 (SHH signaling and ciliogenesis regulator SDCCAG8; plus strand). Cytogenetic location: 1q43.
Variant type: single nucleotide variant.
Coding change: c.858T>C on transcript NM_006642.5 (MANE Select); coding-DNA position 858, T replaced by C.
Protein change: p.Cys286=; no amino-acid change (cysteine 286 retained).
Molecular consequence: synonymous variant. On other transcripts: 5 prime UTR variant (3).
Genome position (GRCh38, 1-based): chr1:243,308,106, T>C. VCF-style: chr1-243308106-T-C. GRCh37 (hg19) VCF-style: chr1-243471408-T-C.
Other names: c.-46T>C (NM_001350246.2, NM_001350247.2, NM_001350251.2); c.954T>C, p.Cys318= (NM_001350248.2); c.564T>C, p.Cys188= (NM_001350249.2); c.858T>C (NM_006642.3).
Identifiers: ClinVar variation 1650358 (VCV001650358.10), dbSNP rs1376976473, ClinGen allele CA424105170.

ClinVar aggregate classification (germline): Likely benign. Review status: criteria provided, single submitter (1 of 4 stars). 2 submissions from 2 submitters: Likely benign (1). 1 of the submissions does not count toward it. Last evaluated 2026-01-20.

Conditions:
SDCCAG8-related disorder. Also called: SDCCAG8-Related Disorders; SDCCAG8-related condition.
Bardet-Biedl syndrome 16 (BBS16). Identifiers: Orphanet 110, MedGen C3889474, MONDO:0014444, OMIM 615993.
Senior-Loken syndrome 7 (SLSN7). Identifiers: Orphanet 3156, MedGen C3150877, MONDO:0013326, OMIM 613615.

Allele frequency attached by ClinVar (database versions not stated): gnomAD exomes below 0.00001 and 0.00001; TOPMed below 0.00001.
gnomAD v4.1: 6 of 1,614,232 alleles (0.00037%); highest among the groups gnomAD compares: Admixed American, 0.005%; no homozygotes.

Submissions (2):

Labcorp Genetics (formerly Invitae), Labcorp
Classification: Likely benign for Bardet-Biedl syndrome 16; Senior-Loken syndrome 7. Last evaluated: 2026-01-20. Review status: criteria provided, single submitter. Criteria: Invitae Variant Classification Sherloc (09022015). Collection method: clinical testing. Allele origin: germline.

PreventionGenetics, part of Exact Sciences
Classification: Likely benign for SDCCAG8-related condition. Last evaluated: 2022-04-06. Review status: no assertion criteria provided. Collection method: clinical testing. Allele origin: germline. Not counted in ClinVar's aggregate classification.
Comment: This variant is classified as likely benign based on ACMG/AMP sequence variant interpretation guidelines (Richards et al. 2015 PMID: 25741868, with internal and published modifications).